The following is an entry in ClinVar:

NM_015665.6(AAAS):c.301G>T (p.Glu101Ter)

Gene: AAAS (aladin WD repeat nucleoporin; minus strand). Cytogenetic location: 12q13.13.
Variant type: single nucleotide variant.
Coding change: c.301G>T on transcript NM_015665.6 (MANE Select); coding-DNA position 301, G replaced by T.
Protein change: p.Glu101Ter; replaces glutamic acid 101 with a stop codon.
Molecular consequence: nonsense.
Genome position (GRCh38, 1-based): chr12:53,315,733, C>A on the plus strand (G>T on the coding strand, the complement: AAAS is on the minus strand). VCF-style: chr12-53315733-C-A. GRCh37 (hg19) VCF-style: chr12-53709517-C-A.
Other names: c.301G>T, p.Glu101Ter (NM_001173466.2); short protein forms E101*.
Identifiers: ClinVar variation 3062290 (VCV003062290.1), dbSNP rs1339688889, ClinGen allele CA385044480.

ClinVar aggregate classification (germline): Likely pathogenic (1 of 4 stars; one submission).

Conditions:
Glucocorticoid deficiency with achalasia (AAAS). Also called: Triple-A syndrome; ALACRIMA-ACHALASIA-ADRENAL INSUFFICIENCY NEUROLOGIC DISORDER; AAA syndrome; Allgrove syndrome; Achalasia-addisonianism-alacrimia syndrome; Achalasia-Addisonianism-Alacrima (Triple-A) Syndrome. Identifiers: Orphanet 869, MedGen C0271742, MONDO:0009279, OMIM 231550.

Submission:

Molecular Genetics Department, Kulakov National Medical Research Center for Obstetrics, Gynecology and Perinatology
Classification: Likely pathogenic for Glucocorticoid deficiency with achalasia. Review status: criteria provided, single submitter. Criteria: ACMG Guidelines, 2015. Collection method: clinical testing. Allele origin: germline. Affected: yes.
Comment: A previously undescribed nucleotide variant creates a premature translation stop signal p.Glu101Ter in the AAAS gene. Homozygous and compound heterozygous variants are reported in patients with Achalasia-addisonianism-alacrimia syndrome, 231550. The variant is not present in population database (gnomAD no frequency). In summary, the currently available evidence indicates that the variant is pathogenic, but additional data are needed to prove that conclusively. Therefore, this variant has been classified as likely pathogenic.